The following is an entry in ClinVar:

ClinVar aggregate classification (germline): Uncertain significance (1 of 4 stars; one submission).

Conditions:
Deficiency of alpha-mannosidase (MANSA). Also called: Mannosidosis, alpha-, types I and II; LYSOSOMAL ALPHA-D-MANNOSIDASE DEFICIENCY; Alpha-Mannosidosis. Identifiers: Orphanet 61, MedGen C0024748, MONDO:0009561, OMIM 248500.

Allele frequency attached by ClinVar (database versions not stated): ExAC 0.00001; gnomAD exomes 0.00001; TOPMed 0.00001.
gnomAD v4.1: 3 of 1,614,248 alleles (0.00019%); highest among the groups gnomAD compares: East Asian, 0.0067%; no homozygotes.

Submission:

Labcorp Genetics (formerly Invitae), Labcorp
Classification: Uncertain significance for Deficiency of alpha-mannosidase. Last evaluated: 2021-09-01. Review status: criteria provided, single submitter. Criteria: Invitae Variant Classification Sherloc (09022015). Collection method: clinical testing. Allele origin: germline.
Comment: This sequence change replaces valine with leucine at codon 372 of the MAN2B1 protein (p.Val372Leu). The valine residue is moderately conserved and there is a small physicochemical difference between valine and leucine. This variant is present in population databases (rs745579139, ExAC 0.01%). This variant has not been reported in the literature in individuals affected with MAN2B1-related conditions. Algorithms developed to predict the effect of missense changes on protein structure and function output the following: SIFT: "Tolerated"; PolyPhen-2: "Benign"; Align-GVGD: "Class C0". The leucine amino acid residue is found in multiple mammalian species, which suggests that this missense change does not adversely affect protein function. In summary, the available evidence is currently insufficient to determine the role of this variant in disease. Therefore, it has been classified as a Variant of Uncertain Significance.

NM_000528.4(MAN2B1):c.1114G>T (p.Val372Leu)

Gene: MAN2B1 (mannosidase alpha class 2B member 1; minus strand). Cytogenetic location: 19p13.13.
Variant type: single nucleotide variant.
Coding change: c.1114G>T on transcript NM_000528.4 (MANE Select); coding-DNA position 1114, G replaced by T.
Protein change: p.Val372Leu; replaces valine 372 with leucine.
Molecular consequence: missense variant.
Genome position (GRCh38, 1-based): chr19:12,658,340, C>A on the plus strand (G>T on the coding strand, the complement: MAN2B1 is on the minus strand). VCF-style: chr19-12658340-C-A. GRCh37 (hg19) VCF-style: chr19-12769154-C-A.
Other names: c.1111G>T, p.Val371Leu (NM_001173498.2); short protein forms V372L, V371L.
Identifiers: ClinVar variation 661669 (VCV000661669.6), dbSNP rs745579139, ClinGen allele CA9226575.